The following is an entry in ClinVar:

ClinVar aggregate classification (germline): Uncertain significance (1 of 4 stars; one submission).

Submission:

GeneDx
Classification: Uncertain significance. Last evaluated: 2024-08-01. Review status: criteria provided, single submitter. Criteria: GeneDx Variant Classification Process June 2021. Collection method: clinical testing. Allele origin: germline. Affected: yes.
Comment: Not observed at significant frequency in large population cohorts (gnomAD); In silico analysis indicates that this variant does not alter splicing; Has not been previously published as pathogenic or benign to our knowledge

NM_001010867.4(IBA57):c.123C>T (p.Asp41=)

Gene: IBA57 (iron-sulfur cluster assembly factor IBA57; plus strand). Cytogenetic location: 1q42.13.
Variant type: single nucleotide variant.
Coding change: c.123C>T on transcript NM_001010867.4 (MANE Select); coding-DNA position 123, C replaced by T.
Protein change: p.Asp41=; no amino-acid change (aspartic acid 41 retained).
Molecular consequence: synonymous variant.
Genome position (GRCh38, 1-based): chr1:228,165,939, C>T. VCF-style: chr1-228165939-C-T. GRCh37 (hg19) VCF-style: chr1-228353640-C-T.
Identifiers: ClinVar variation 3602412 (VCV003602412.1).
Genomic context (GRCh38, chr1:228,165,939, plus strand): 5'-GCGGCTGCGCGCGGCCCCAAGGTGCCGCCTGGCCCACAGCTCCTGCAGTCCTGGTGGCGA[C>T]CCAACGGCCGGAGCGGCCTGGGCCTGCTTCCGGCTGGACGGGCGCACCCTGCTGCGCGTG-3'
Protein context (NP_001010867.1, residues 31-51): LAHSSCSPGG[Asp41=]PTAGAAWACF